The following is an entry in ClinVar:

ClinVar aggregate classification (germline): Uncertain significance (1 of 4 stars; one submission).

Allele frequency attached by ClinVar (database versions not stated): ExAC 0.00001; gnomAD 0.00001; gnomAD exomes 0.00001; TOPMed 0.00001.
gnomAD v4.1: 8 of 1,606,452 alleles (0.0005%); highest among the groups gnomAD compares: Non-Finnish European, 0.00068%; no homozygotes.

Submission:

Labcorp Genetics (formerly Invitae), Labcorp
Classification: Uncertain significance. Last evaluated: 2024-10-27. Review status: criteria provided, single submitter. Criteria: Invitae Variant Classification Sherloc (09022015). Collection method: clinical testing. Allele origin: germline.
Comment: This sequence change falls in intron 7 of the TBX20 gene. It does not directly change the encoded amino acid sequence of the TBX20 protein. It affects a nucleotide within the consensus splice site. This variant is present in population databases (rs761929372, gnomAD 0.002%). This variant has not been reported in the literature in individuals affected with TBX20-related conditions. ClinVar contains an entry for this variant (Variation ID: 1524403). Variants that disrupt the consensus splice site are a relatively common cause of aberrant splicing (PMID: 17576681, 9536098). Algorithms developed to predict the effect of sequence changes on RNA splicing suggest that this variant is not likely to affect RNA splicing. In summary, the available evidence is currently insufficient to determine the role of this variant in disease. Therefore, it has been classified as a Variant of Uncertain Significance.

Literature cited by the submitters: PubMed 17576681; PubMed 9536098.

NM_001077653.2(TBX20):c.1003+6G>C

Gene: TBX20 (T-box transcription factor 20; minus strand). Cytogenetic location: 7p14.2.
Variant type: single nucleotide variant.
Coding change: c.1003+6G>C on transcript NM_001077653.2 (MANE Select); 6 bases into the intron after coding-DNA position 1003, G replaced by C.
Molecular consequence: intron variant.
Genome position (GRCh38, 1-based): chr7:35,204,464, C>G on the plus strand (G>C on the coding strand, the complement: TBX20 is on the minus strand). VCF-style: chr7-35204464-C-G. GRCh37 (hg19) VCF-style: chr7-35244076-C-G.
Identifiers: ClinVar variation 1524403 (VCV001524403.6), dbSNP rs761929372, ClinGen allele CA4217375.